The following is an entry in ClinVar:

ClinVar aggregate classification (germline): Uncertain significance (1 of 4 stars; one submission).

Conditions:
Hereditary cancer-predisposing syndrome. Also called: Hereditary Cancer Syndrome; Neoplastic Syndromes, Hereditary; Tumor predisposition; Hereditary neoplastic syndrome. Identifiers: Orphanet 140162, MedGen C0027672, MeSH D009386, MONDO:0015356.

Allele frequency attached by ClinVar (database versions not stated): gnomAD exomes 0.00001.
gnomAD v4.1: 3 of 1,614,000 alleles (0.00019%); highest among the groups gnomAD compares: Non-Finnish European, 0.00025%; no homozygotes.

Submission:

Ambry Genetics
Classification: Uncertain significance for Hereditary cancer-predisposing syndrome. Last evaluated: 2025-08-21. Review status: criteria provided, single submitter. Criteria: Ambry Variant Classification Scheme 2023. Collection method: clinical testing. Allele origin: germline.
Comment: The c.1201-3C>A intronic variant results from a C to A substitution 3 nucleotides upstream from coding exon 2 in the MET gene. This nucleotide position is well conserved in available vertebrate species. In silico splice site analysis predicts that this alteration will not have any significant effect on splicing. Since supporting evidence is limited at this time, the clinical significance of this alteration remains unclear.

NM_000245.4(MET):c.1201-3C>A

Gene: MET (MET proto-oncogene, receptor tyrosine kinase; plus strand). Cytogenetic location: 7q31.2.
Variant type: single nucleotide variant.
Coding change: c.1201-3C>A on transcript NM_000245.4 (MANE Select); 3 bases into the intron before coding-DNA position 1201, C replaced by A.
Molecular consequence: intron variant.
Genome position (GRCh38, 1-based): chr7:116,731,665, C>A. VCF-style: chr7-116731665-C-A. GRCh37 (hg19) VCF-style: chr7-116371719-C-A.
Other names: c.1201-3C>A (NM_001127500.3, NM_001324401.3); c.-90-3C>A (NM_001324402.2).
Identifiers: ClinVar variation 1747567 (VCV001747567.3), dbSNP rs2116778989, ClinGen allele CA2580076231.
Genomic context (GRCh38, chr7:116,731,665, plus strand): 5'-GGTTTCTTACCAGCTTGTTCATGTCTGGATTCACATTAACTCTATGACCATATTTTATTC[C>A]AGACACTTCTGAGAAATTCATCAGGCTGTGAAGCGCGCCGTGATGAATATCGAACAGAGT-3'